The following is an entry in ClinVar:

ClinVar aggregate classification (germline): Uncertain significance. Review status: criteria provided, multiple submitters, no conflicts (2 of 4 stars). 3 submissions from 3 submitters: Uncertain significance (3). Last evaluated 2024-08-28.

Conditions:
Hereditary cancer-predisposing syndrome. Also called: Neoplastic Syndromes, Hereditary; Hereditary Cancer Syndrome; Hereditary neoplastic syndrome; Tumor predisposition. Identifiers: Orphanet 140162, MedGen C0027672, MeSH D009386, MONDO:0015356.
Cardiovascular phenotype. Identifiers: MedGen CN230736.
Juvenile myelomonocytic leukemia (JMML). Also called: LEUKEMIA, JUVENILE MYELOMONOCYTIC, SOMATIC. Identifiers: Orphanet 86834, MedGen C0349639, MONDO:0011908, OMIM 607785, HP:0012209.
Neurofibromatosis, type 1 (NF1). Also called: Neurofibromatosis, type I; Peripheral type neurofibromatosis; VON RECKLINGHAUSEN DISEASE; NEUROFIBROMATOSIS, TYPE I, SOMATIC. Identifiers: Orphanet 636, MedGen C0027831, MONDO:0018975, OMIM 162200. Disease mechanism: loss of function.

gnomAD v4.1: 2 of 1,613,726 alleles (0.00012%); highest among the groups gnomAD compares: East Asian, 0.0045%; no homozygotes.

Submissions (3):

Labcorp Genetics (formerly Invitae), Labcorp
Classification: Uncertain significance for Neurofibromatosis, type 1. Last evaluated: 2024-08-28. Review status: criteria provided, single submitter. Criteria: Invitae Variant Classification Sherloc (09022015). Collection method: clinical testing. Allele origin: germline.
Comment: This sequence change replaces proline, which is neutral and non-polar, with glutamine, which is neutral and polar, at codon 2592 of the NF1 protein (p.Pro2592Gln). This variant is not present in population databases (gnomAD no frequency). This variant has not been reported in the literature in individuals affected with NF1-related conditions. ClinVar contains an entry for this variant (Variation ID: 827251). Invitae Evidence Modeling of protein sequence and biophysical properties (such as structural, functional, and spatial information, amino acid conservation, physicochemical variation, residue mobility, and thermodynamic stability) has been performed for this missense variant. However, the output from this modeling did not meet the statistical confidence thresholds required to predict the impact of this variant on NF1 protein function. In summary, the available evidence is currently insufficient to determine the role of this variant in disease. Therefore, it has been classified as a Variant of Uncertain Significance.

Baylor Genetics
Classification: Uncertain significance for Juvenile myelomonocytic leukemia. Last evaluated: 2023-09-08. Review status: criteria provided, single submitter. Criteria: ACMG Guidelines, 2015. Collection method: clinical testing. Allele origin: unknown.

Ambry Genetics
Classification: Uncertain significance for Cardiovascular phenotype; Hereditary cancer-predisposing syndrome. Last evaluated: 2021-11-19. Review status: criteria provided, single submitter. Criteria: Ambry Variant Classification Scheme 2023. Collection method: clinical testing. Allele origin: germline.

NM_001042492.3(NF1):c.7838C>A (p.Pro2613Gln)

Gene: NF1 (neurofibromin 1; plus strand). Cytogenetic location: 17q11.2.
Variant type: single nucleotide variant.
Coding change: c.7838C>A on transcript NM_001042492.3 (MANE Select); coding-DNA position 7838, C replaced by A.
Protein change: p.Pro2613Gln; replaces proline 2613 with glutamine.
Molecular consequence: missense variant.
Genome position (GRCh38, 1-based): chr17:31,357,059, C>A. VCF-style: chr17-31357059-C-A. GRCh37 (hg19) VCF-style: chr17-29684077-C-A.
Other names: c.7775C>A, p.Pro2592Gln (NM_000267.4); short protein forms P2592Q, P2613Q.
Identifiers: ClinVar variation 827251 (VCV000827251.11), dbSNP rs750972729, ClinGen allele CA399018628.
Genomic context (GRCh38, chr17:31,357,059, plus strand): 5'-TACGTAAAGTTTCAGTGTCTGAATCAAATGTTCTCTTGGATGAAGAAGTACTTACTGATC[C>A]GAAGATCCAGGCGCTGCTTCTTACTGTTCTAGTAAGGATTTCCCCTTTTTGAGTCCCCCA-3'
Protein context (NP_001035957.1, residues 2603-2623): VLLDEEVLTD[Pro2613Gln]KIQALLLTVL